The following is an entry in ClinVar:

ClinVar aggregate classification (germline): Pathogenic/Likely pathogenic. Review status: criteria provided, multiple submitters, no conflicts (2 of 4 stars). 5 submissions from 5 submitters: Pathogenic (1); Likely pathogenic (4). Last evaluated 2026-01-21.

Conditions:
Wilson disease (WND). Also called: Wilson's disease. Identifiers: Orphanet 905, MedGen C0019202, MONDO:0010200, OMIM 277900. Disease mechanism: loss of function.

Allele frequency attached by ClinVar (database versions not stated): TOPMed below 0.00001.
gnomAD v4.1: 1 of 1,614,120 alleles (0.000062%); highest among the groups gnomAD compares: Non-Finnish European, 0.000085%; no homozygotes.

Submissions (5):

Myriad Genetics, Inc.
Classification: Likely pathogenic for Wilson disease. Last evaluated: 2026-01-21. Review status: criteria provided, single submitter. Criteria: Myriad Autosomal Dominant, Autosomal Recessive and X-Linked Classification Criteria (2023). Collection method: clinical testing. Allele origin: unknown.
Comment: NM_000053.3(ATP7B):c.3220G>A(A1074T) is a missense variant classified as likely pathogenic in the context of Wilson disease. A1074T has been observed in cases with relevant disease (PMID: 35222532, 35257483, 30576569, 35220961). Relevant functional assessments of this variant are not available in the literature. A1074T has not been observed in referenced population frequency databases. In summary, NM_000053.3(ATP7B):c.3220G>A(A1074T) is a missense variant that has been observed more frequently in cases with the relevant disease than in healthy populations. Please note: this variant was assessed in the context of healthy population screening.

Labcorp Genetics (formerly Invitae), Labcorp
Classification: Likely pathogenic for Wilson disease. Last evaluated: 2025-12-08. Review status: criteria provided, single submitter. Criteria: Invitae Variant Classification Sherloc (09022015). Collection method: clinical testing. Allele origin: germline.
Comment: This sequence change replaces alanine, which is neutral and non-polar, with threonine, which is neutral and polar, at codon 1074 of the ATP7B protein (p.Ala1074Thr). This variant is not present in population databases (gnomAD no frequency). This missense change has been observed in individual(s) with Wilson disease (PMID: 35220961, 35222532, 35257483). ClinVar contains an entry for this variant (Variation ID: 2166762). Invitae Evidence Modeling of protein sequence and biophysical properties (such as structural, functional, and spatial information, amino acid conservation, physicochemical variation, residue mobility, and thermodynamic stability) indicates that this missense variant is expected to disrupt ATP7B protein function with a positive predictive value of 80%. In summary, the currently available evidence indicates that the variant is pathogenic, but additional data are needed to prove that conclusively. Therefore, this variant has been classified as Likely Pathogenic.

Natera, Inc.
Classification: Likely pathogenic for Wilson disease. Last evaluated: 2025-09-04. Review status: criteria provided, single submitter. Criteria: Natera Variant Classification Schema (03/2026). Collection method: clinical testing. Allele origin: germline.
Comment: The c.3220G>A variant in ATP7B is a missense variant predicted to cause substitution of alanine to threonine at amino acid 1074. This variant is rare in the general population with a frequency below the threshold expected for the associated phenotype(s). This variant has been observed in one or more individuals affected with the associated recessive disease, as either homozygous or compound heterozygous with a second variant (PMID: 35257483, 35220961, 35222532, 30576569). Computational prediction algorithms indicate this variant is likely to affect gene or protein function. Given the available evidence, this variant is classified as Likely Pathogenic.

All of Us Research Program, National Institutes of Health
Classification: Likely pathogenic for Wilson disease. Last evaluated: 2024-07-29. Review status: criteria provided, single submitter. Criteria: ACMG Guidelines, 2015. Collection method: clinical testing. Allele origin: germline. Inheritance: Autosomal recessive inheritance. Observed: 2 variant alleles, 2 heterozygotes.
Comment: This missense variant replaces alanine with threonine at codon 1074 of the ATP7B protein. Computational prediction suggests that this variant may have deleterious impact on protein structure and function (internally defined REVEL score threshold >= 0.7, PMID: 27666373). This variant alters a conserved alanine residue in the ATP hydrolysis N domain of the ATP7B protein, a highly conserved region that is considered to be important for ATP7B protein function (PMID: 35245129; ClinVar). To our knowledge, functional studies have not been reported for this variant. This variant has been observed in two children affected with autosomal recessive Wilson disease, presumed to be compound heterozygous with pathogenic p.Arg778Leu variant in the same gene (PMID: 35222532), as well as in an adult with Wilson disease, presumed to be compound heterozygous with pathogenic p.Thr977Met variant in the same gene (PMID: 30576569). This variant has not been identified in the general population by the Genome Aggregation Database (gnomAD). Based on the available evidence, this variant is classified as Likely Pathogenic.

This study involves interpretation of variants in research participants for the purpose of population health screening. Participant phenotype was not available at the time of variant classification. Additional details can be found in publication PMID: 35346344, PMCID: PMC8962531

Baylor Genetics
Classification: Pathogenic for Wilson disease. Last evaluated: 2024-03-15. Review status: criteria provided, single submitter. Criteria: ACMG Guidelines, 2015. Collection method: clinical testing. Allele origin: unknown.

Literature cited by the submitters: PubMed 30576569 (cited by 3 submitters); PubMed 35220961 (cited by 3 submitters); PubMed 35222532 (cited by 4 submitters); PubMed 35257483 (cited by 3 submitters); PubMed 35245129 (cited by All of Us Research Program, National Institutes of Health).

NM_000053.4(ATP7B):c.3220G>A (p.Ala1074Thr)

Gene: ATP7B (ATPase copper transporting beta; minus strand). Cytogenetic location: 13q14.3.
Variant type: single nucleotide variant.
Coding change: c.3220G>A on transcript NM_000053.4 (MANE Select); coding-DNA position 3220, G replaced by A.
Protein change: p.Ala1074Thr; replaces alanine 1074 with threonine.
Molecular consequence: missense variant.
Genome position (GRCh38, 1-based): chr13:51,944,132, C>T on the plus strand (G>A on the coding strand, the complement: ATP7B is on the minus strand). VCF-style: chr13-51944132-C-T. GRCh37 (hg19) VCF-style: chr13-52518268-C-T.
Other names: c.3220G>A (NM_000053.3); c.3166G>A, p.Ala1056Thr (NM_001406515.1, NM_001406516.1); c.3124G>A, p.Ala1042Thr (NM_001406517.1, NM_001406518.1); c.3085G>A, p.Ala1029Thr (NM_001406519.1); c.3076G>A, p.Ala1026Thr (NM_001406520.1, NM_001406521.1, NM_001406522.1); c.3043G>A, p.Ala1015Thr (NM_001406524.1); c.2881G>A, p.Ala961Thr (NM_001406537.1); c.2986G>A, p.Ala996Thr (NM_001406538.1, NM_001330578.2, NM_001406527.1 and 1 more transcripts); and 19 more; short protein forms A1029T, A1056T, A644T, A880T, A925T, A931T, A990T, A1009T.
Identifiers: ClinVar variation 2166762 (VCV002166762.6), dbSNP rs1196142320, ClinGen allele CA388029831.
Genomic context (GRCh38, chr13:51,944,132, plus strand): 5'-TGGCGGGGAGGGCAGGGCCACGCCCAAGTCCACGTACCTCTTTACAGTATTTGGTGACTG[C>T]CACGCCCAAGGGGTGTTCACTGCTGGCCTCCGCAGTCCCCACCACAGCCAGAACCTTCCT-3'
Protein context (NP_000044.2, residues 1064-1084): EASSEHPLGV[Ala1074Thr]VTKYCKEELG